The following is an entry in ClinVar:

NM_000088.4(COL1A1):c.1881C>T (p.Pro627=)

Gene: COL1A1 (collagen type I alpha 1 chain; minus strand). Cytogenetic location: 17q21.33.
Variant type: single nucleotide variant.
Coding change: c.1881C>T on transcript NM_000088.4 (MANE Select); coding-DNA position 1881, C replaced by T.
Protein change: p.Pro627=; no amino-acid change (proline 627 retained).
Molecular consequence: synonymous variant.
Genome position (GRCh38, 1-based): chr17:50,192,688, G>A on the plus strand (C>T on the coding strand, the complement: COL1A1 is on the minus strand). VCF-style: chr17-50192688-G-A. GRCh37 (hg19) VCF-style: chr17-48270049-G-A.
Identifiers: ClinVar variation 526873 (VCV000526873.43), dbSNP rs550265501, ClinGen allele CA8645025.
Genomic context (GRCh38, chr17:50,192,688, plus strand): 5'-ATGAGGCCTCACCTGGAATCCGGGGGAGCCAGCAGGGCCTTGTTCACCTCTCTCGCCAGC[G>A]GGACCCTGCACAGAGAGAACACTACAGTCACGGGGAGGCCGAGGAGACGAGGGGCTGAGG-3'
Protein context (NP_000079.2, residues 617-637): GAQGPPGPAG[Pro627=]AGERGEQGPA

ClinVar aggregate classification (germline): Likely benign. Review status: criteria provided, multiple submitters, no conflicts (2 of 4 stars). 3 submissions from 3 submitters: Likely benign (3). Last evaluated 2024-06-14.

Conditions:
Cardiovascular phenotype. Identifiers: MedGen CN230736.
Osteogenesis imperfecta type I (OI1). Also called: Osteogenesis imperfecta type 1; Lobstein disease; Classic Non-deforming Osteogenesis Imperfecta with Blue Sclerae; Lobstein's Disease; OI, TYPE I; OSTEOGENESIS IMPERFECTA TARDA. Identifiers: Orphanet 216796, Orphanet 666, MedGen C0023931, MONDO:0008146, OMIM 166200. Disease mechanism: loss of function.

Allele frequency attached by ClinVar (database versions not stated): gnomAD 0.00002 and 0.00003; gnomAD exomes 0.00002; TOPMed 0.00002; ExAC 0.00003; 1000 Genomes Project 30x 0.00016; 1000 Genomes Project 0.00020.
gnomAD v4.1: 36 of 1,614,152 alleles (0.0022%); highest among the groups gnomAD compares: South Asian, 0.0033%; no homozygotes.

Submissions (3):

Labcorp Genetics (formerly Invitae), Labcorp
Classification: Likely benign for Osteogenesis imperfecta type I. Last evaluated: 2024-06-14. Review status: criteria provided, single submitter. Criteria: Invitae Variant Classification Sherloc (09022015). Collection method: clinical testing. Allele origin: germline.

CeGaT Center for Human Genetics Tuebingen
Classification: Likely benign. Last evaluated: 2022-03-01. Review status: criteria provided, single submitter. Criteria: CeGaT Center For Human Genetics Tuebingen Variant Classification Criteria Version 2. Collection method: clinical testing. Allele origin: germline. Affected: yes. Observed: 1 variant allele.
Comment: COL1A1: BP4, BP7

Ambry Genetics
Classification: Likely benign for Cardiovascular phenotype. Last evaluated: 2019-10-26. Review status: criteria provided, single submitter. Criteria: Ambry Variant Classification Scheme 2023. Collection method: clinical testing. Allele origin: germline.